The following is an entry in ClinVar:

NM_018489.3(ASH1L):c.8390A>G (p.Tyr2797Cys)

Gene: ASH1L (ASH1 like histone lysine methyltransferase; minus strand). Cytogenetic location: 1q22.
Variant type: single nucleotide variant.
Coding change: c.8390A>G on transcript NM_018489.3 (MANE Select); coding-DNA position 8390, A replaced by G.
Protein change: p.Tyr2797Cys; replaces tyrosine 2797 with cysteine.
Molecular consequence: missense variant.
Genome position (GRCh38, 1-based): chr1:155,342,006, T>C on the plus strand (A>G on the coding strand, the complement: ASH1L is on the minus strand). VCF-style: chr1-155342006-T-C. GRCh37 (hg19) VCF-style: chr1-155311797-T-C.
Other names: c.8405A>G, p.Tyr2802Cys (NM_001366177.2); short protein forms Y2797C, Y2802C.
Identifiers: ClinVar variation 3370653 (VCV003370653.1).

ClinVar aggregate classification (germline): Uncertain significance (1 of 4 stars; one submission).

Submission:

GeneDx
Classification: Uncertain significance. Last evaluated: 2024-03-06. Review status: criteria provided, single submitter. Criteria: GeneDx Variant Classification Process June 2021. Collection method: clinical testing. Allele origin: germline. Affected: yes.
Comment: Not observed at significant frequency in large population cohorts (gnomAD); In silico analysis supports that this missense variant has a deleterious effect on protein structure/function; Has not been previously published as pathogenic or benign to our knowledge